The following is an entry in ClinVar:

NM_005257.6(GATA6):c.927G>C (p.Gln309His)

Gene: GATA6 (GATA binding protein 6; plus strand). Cytogenetic location: 18q11.2.
Variant type: single nucleotide variant.
Coding change: c.927G>C on transcript NM_005257.6 (MANE Select); coding-DNA position 927, G replaced by C.
Protein change: p.Gln309His; replaces glutamine 309 with histidine.
Molecular consequence: missense variant.
Genome position (GRCh38, 1-based): chr18:22,172,071, G>C. VCF-style: chr18-22172071-G-C. GRCh37 (hg19) VCF-style: chr18-19752032-G-C.
Other names: short protein forms Q309H.
Identifiers: ClinVar variation 4740810 (VCV004740810.1).

ClinVar aggregate classification (germline): Uncertain significance (1 of 4 stars; one submission).

Conditions:
Atrioventricular septal defect 5 (AVSD5). Identifiers: MedGen C3280939, MONDO:0013769, OMIM 614474.

Submission:

Labcorp Genetics (formerly Invitae), Labcorp
Classification: Uncertain significance for Atrioventricular septal defect 5. Last evaluated: 2025-05-12. Review status: criteria provided, single submitter. Criteria: Invitae Variant Classification Sherloc (09022015). Collection method: clinical testing. Allele origin: germline.
Comment: This sequence change replaces glutamine, which is neutral and polar, with histidine, which is basic and polar, at codon 309 of the GATA6 protein (p.Gln309His). This variant is not present in population databases (gnomAD no frequency). This variant has not been reported in the literature in individuals affected with GATA6-related conditions. Invitae Evidence Modeling of protein sequence and biophysical properties (such as structural, functional, and spatial information, amino acid conservation, physicochemical variation, residue mobility, and thermodynamic stability) indicates that this missense variant is not expected to disrupt GATA6 protein function with a negative predictive value of 80%. In summary, the available evidence is currently insufficient to determine the role of this variant in disease. Therefore, it has been classified as a Variant of Uncertain Significance.